The following is an entry in ClinVar:

NM_001039141.3(TRIOBP):c.5949C>A (p.Ser1983=)

Gene: TRIOBP (TRIO and F-actin binding protein; plus strand). Cytogenetic location: 22q13.1.
Variant type: single nucleotide variant.
Coding change: c.5949C>A on transcript NM_001039141.3 (MANE Select); coding-DNA position 5949, C replaced by A.
Protein change: p.Ser1983=; no amino-acid change (serine 1983 retained).
Molecular consequence: synonymous variant.
Genome position (GRCh38, 1-based): chr22:37,757,874, C>A. VCF-style: chr22-37757874-C-A. GRCh37 (hg19) VCF-style: chr22-38153881-C-A.
Other names: c.810C>A, p.Ser270= (NM_007032.5, NM_138632.2).
Identifiers: ClinVar variation 3772592 (VCV003772592.13).

ClinVar aggregate classification (germline): Likely benign (1 of 4 stars; one submission).

Submission:

CeGaT Center for Human Genetics Tuebingen
Classification: Likely benign. Last evaluated: 2025-02-01. Review status: criteria provided, single submitter. Criteria: CeGaT Center For Human Genetics Tuebingen Variant Classification Criteria Version 2. Collection method: clinical testing. Allele origin: germline. Affected: yes. Observed: 1 variant allele.
Comment: TRIOBP: BP4, BP7